The following is an entry in ClinVar:

NM_001003800.2(BICD2):c.1579C>G (p.Leu527Val)

Gene: BICD2 (BICD cargo adaptor 2; minus strand). Cytogenetic location: 9q22.31.
Variant type: single nucleotide variant.
Coding change: c.1579C>G on transcript NM_001003800.2 (MANE Select); coding-DNA position 1579, C replaced by G.
Protein change: p.Leu527Val; replaces leucine 527 with valine.
Molecular consequence: missense variant.
Genome position (GRCh38, 1-based): chr9:92,719,066, G>C on the plus strand (C>G on the coding strand, the complement: BICD2 is on the minus strand). VCF-style: chr9-92719066-G-C. GRCh37 (hg19) VCF-style: chr9-95481348-G-C.
Other names: c.1579C>G, p.Leu527Val (NM_015250.4); short protein forms L527V.
Identifiers: ClinVar variation 2431908 (VCV002431908.1), dbSNP rs2490445112, ClinGen allele CA374037065.

ClinVar aggregate classification (germline): Uncertain significance (1 of 4 stars; one submission).

Conditions:
Spinal muscular atrophy, lower extremity-predominant, 2b, prenatal onset, autosomal dominant. Also called: Spinal muscular atrophy, lower extremity-predominant, 2B, autosomal dominant. Identifiers: MedGen C4749003, MONDO:0032660, OMIM 618291.

Submission:

Laboratorio de Genetica e Diagnostico Molecular, Hospital Israelita Albert Einstein
Classification: Uncertain significance for Spinal muscular atrophy, lower extremity-predominant, 2b, prenatal onset, autosomal dominant. Last evaluated: 2022-03-23. Review status: criteria provided, single submitter. Criteria: ACMG Guidelines, 2015. Collection method: clinical testing. Allele origin: germline. Affected: yes. Observed: 1 variant allele.
Comment: ACMG classification criteria: PM2 moderated